The following is an entry in ClinVar:

ClinVar aggregate classification (germline): Likely benign (0 of 4 stars; one submission).

Conditions:
MSR1-related disorder. Also called: MSR1-related condition.

Allele frequency attached by ClinVar (database versions not stated): ExAC 0.00021; 1000 Genomes Project 0.00060; 1000 Genomes Project 30x 0.00062; ESP Exome Variant Server 0.00062; TOPMed 0.00077; gnomAD 0.00081.

Submission:

PreventionGenetics, part of Exact Sciences
Classification: Likely benign for MSR1-related condition. Last evaluated: 2023-04-17. Review status: no assertion criteria provided. Collection method: clinical testing. Allele origin: germline.
Comment: This variant is classified as likely benign based on ACMG/AMP sequence variant interpretation guidelines (Richards et al. 2015 PMID: 25741868, with internal and published modifications).

NM_138715.3(MSR1):c.354G>A (p.Met118Ile)

Gene: MSR1 (macrophage scavenger receptor 1; minus strand). Cytogenetic location: 8p22.
Variant type: single nucleotide variant.
Coding change: c.354G>A on transcript NM_138715.3 (MANE Select); coding-DNA position 354, G replaced by A.
Protein change: p.Met118Ile; replaces methionine 118 with isoleucine.
Molecular consequence: missense variant.
Genome position (GRCh38, 1-based): chr8:16,168,734, C>T on the plus strand (G>A on the coding strand, the complement: MSR1 is on the minus strand). VCF-style: chr8-16168734-C-T. GRCh37 (hg19) VCF-style: chr8-16026243-C-T.
Other names: c.408G>A, p.Met136Ile (NM_001363744.1); c.354G>A, p.Met118Ile (NM_002445.4, NM_138716.3); short protein forms M118I, M136I.
Identifiers: ClinVar variation 3048825 (VCV003048825.2), dbSNP rs149818618, ClinGen allele CA4641318.